The following is an entry in ClinVar:

NM_012186.3(FOXE3):c.473G>A (p.Gly158Asp)

Genes: FOXE3 (forkhead box E3; plus strand), LINC01389 (long intergenic non-protein coding RNA 1389; minus strand). Cytogenetic location: 1p33.
Variant type: single nucleotide variant.
Coding change: c.473G>A on transcript NM_012186.3 (MANE Select); coding-DNA position 473, G replaced by A.
Protein change: p.Gly158Asp; replaces glycine 158 with aspartic acid.
Molecular consequence: missense variant.
Genome position (GRCh38, 1-based): chr1:47,416,788, G>A. VCF-style: chr1-47416788-G-A. GRCh37 (hg19) VCF-style: chr1-47882460-G-A.
Other names: short protein forms G158D.
Identifiers: ClinVar variation 1305850 (VCV001305850.3), dbSNP rs2124042965, ClinGen allele CA340250067.

ClinVar aggregate classification (germline): Likely pathogenic (1 of 4 stars; one submission).

Submission:

GeneDx
Classification: Likely pathogenic. Last evaluated: 2024-01-05. Review status: criteria provided, single submitter. Criteria: GeneDx Variant Classification Process June 2021. Collection method: clinical testing. Allele origin: germline. Affected: yes.
Comment: Not observed in large population cohorts (gnomAD); In silico analysis supports that this missense variant has a deleterious effect on protein structure/function; Has not been previously published as pathogenic or benign to our knowledge